The following is an entry in ClinVar:

NM_018341.3(ERMARD):c.1426del (p.His476fs)

Gene: ERMARD (ER membrane associated RNA degradation; plus strand). Cytogenetic location: 6q27.
Variant type: Deletion.
Coding change: c.1426del on transcript NM_018341.3 (MANE Select); coding-DNA position 1426, one base deleted (C; older notation c.1426delC).
Protein change: p.His476fs; shifts the reading frame from histidine 476.
Molecular consequence: frameshift variant.
Genome position (GRCh38, 1-based): chr6:169,775,971, C deleted; the last of 2 consecutive C bases (chr6:169,775,970-169,775,971); deleting either gives the same sequence. VCF-style (leftmost placement, unchanged base first): chr6-169775969-GC-G. GRCh37 (hg19) VCF-style: chr6-170176065-GC-G.
Other names: c.1426del, p.His476fs (NM_001278531.2, NM_001278533.2); c.1048del, p.His350fs (NM_001278532.2); short protein forms H350fs, H476fs.
Identifiers: ClinVar variation 1320115 (VCV001320115.2), dbSNP rs2128365099, ClinGen allele CA2573052649.
Genomic context (GRCh38, chr6:169,775,969, plus strand): 5'-CACGTATCTTTAAATATTTTCTGTTTTTCAGATTAGAAGATAATTCTGAAACAAATGCCT[GC>G]CACTCTTTGATTACAAAAATGACGGATGAGCTGTATCACCATATGCCTGAGAATCGTTGT-3'

ClinVar aggregate classification (germline): Uncertain significance (1 of 4 stars; one submission).

Conditions:
Periventricular nodular heterotopia 6 (PVNH6). Identifiers: Orphanet 2149, MedGen C3809872, MONDO:0014240, OMIM 615544.

Submission:

3billion
Classification: Uncertain significance for Periventricular nodular heterotopia 6. Last evaluated: 2026-01-30. Review status: criteria provided, single submitter. Criteria: ACMG Guidelines, 2015. Collection method: clinical testing. Allele origin: unknown. Affected: yes. Observed: 1 heterozygote.
Comment: Frameshift: predicted to result in a loss or disruption of normal protein function through nonsense-mediated decay (NMD) or protein truncation. Multiple pathogenic variants are reported downstream of the variant (PVS1_VS). However, the contribution of loss-of-function variants in ERMARD to 'Periventricular nodular heterotopia 6' is incompletely understood at this time. It is not observed in the gnomAD v2.1.1 dataset (PM2). Therefore, this variant is classified as VUS according to the recommendation of ACMG/AMP guideline.